The following is an entry in ClinVar:

NM_000834.5(GRIN2B):c.3629C>G (p.Ser1210Cys)

Gene: GRIN2B (glutamate ionotropic receptor NMDA type subunit 2B; minus strand). Cytogenetic location: 12p13.1.
Variant type: single nucleotide variant.
Coding change: c.3629C>G on transcript NM_000834.5 (MANE Select); coding-DNA position 3629, C replaced by G.
Protein change: p.Ser1210Cys; replaces serine 1210 with cysteine.
Molecular consequence: missense variant.
Genome position (GRCh38, 1-based): chr12:13,563,609, G>C on the plus strand (C>G on the coding strand, the complement: GRIN2B is on the minus strand). VCF-style: chr12-13563609-G-C. GRCh37 (hg19) VCF-style: chr12-13716543-G-C.
Other names: c.3629C>G, p.Ser1210Cys (NM_001413992.1); short protein forms S1210C.
Identifiers: ClinVar variation 2952934 (VCV002952934.3), dbSNP rs2497467728, ClinGen allele CA383988039.

ClinVar aggregate classification (germline): Uncertain significance (1 of 4 stars; one submission).

Conditions:
Intellectual developmental disorder, autosomal dominant 6, with or without seizures. Also called: GRIN2B-related developmental delay, intellectual disability and autism spectrum disorder; Intellectual disability, autosomal dominant 6. Identifiers: Orphanet 589547, MedGen C3151411, MONDO:0013509, OMIM 613970.
Developmental and epileptic encephalopathy, 27 (DEE27). Also called: Epileptic encephalopathy, early infantile, 27; GRIN2B-Related Neurodevelopmental Disorder. Identifiers: Orphanet 3451, MedGen C4015316, MONDO:0014505, OMIM 616139.

Submission:

Labcorp Genetics (formerly Invitae), Labcorp
Classification: Uncertain significance for Developmental and epileptic encephalopathy, 27; Intellectual developmental disorder, autosomal dominant 6, with or without seizures. Last evaluated: 2023-10-16. Review status: criteria provided, single submitter. Criteria: Invitae Variant Classification Sherloc (09022015). Collection method: clinical testing. Allele origin: germline.
Comment: This sequence change replaces serine, which is neutral and polar, with cysteine, which is neutral and slightly polar, at codon 1210 of the GRIN2B protein (p.Ser1210Cys). This variant is not present in population databases (gnomAD no frequency). This variant has not been reported in the literature in individuals affected with GRIN2B-related conditions. Advanced modeling of protein sequence and biophysical properties (such as structural, functional, and spatial information, amino acid conservation, physicochemical variation, residue mobility, and thermodynamic stability) performed at Invitae indicates that this missense variant is not expected to disrupt GRIN2B protein function. In summary, the available evidence is currently insufficient to determine the role of this variant in disease. Therefore, it has been classified as a Variant of Uncertain Significance.